The following is an entry in ClinVar:

ClinVar aggregate classification (germline): Uncertain significance. Review status: criteria provided, multiple submitters, no conflicts (2 of 4 stars). 2 submissions from 2 submitters: Uncertain significance (2). Last evaluated 2025-05-25.

Conditions:
Inborn genetic diseases. Identifiers: MedGen C0950123, MeSH D030342.
MCTP2-related disorder. Also called: MCTP2-related condition.

Allele frequency attached by ClinVar (database versions not stated): gnomAD 0.00002; gnomAD exomes 0.00002; ExAC 0.00003; TOPMed 0.00003; ESP Exome Variant Server 0.00008; 1000 Genomes Project 30x 0.00016; 1000 Genomes Project 0.00020.
gnomAD v4.1: 32 of 1,565,730 alleles (0.002%); highest among the groups gnomAD compares: Middle Eastern, 0.067%; no homozygotes.

Submissions (2):

Ambry Genetics
Classification: Uncertain significance for Inborn genetic diseases. Last evaluated: 2025-05-25. Review status: criteria provided, single submitter. Criteria: Ambry Variant Classification Scheme 2023. Collection method: clinical testing. Allele origin: germline.

PreventionGenetics, part of Exact Sciences
Classification: Uncertain significance for MCTP2-related condition. Last evaluated: 2023-06-26. Review status: criteria provided, single submitter. Criteria: ACMG Guidelines, 2015. Collection method: clinical testing. Allele origin: germline.
Comment: The MCTP2 c.1843G>A variant is predicted to result in the amino acid substitution p.Ala615Thr. To our knowledge, this variant has not been reported in the literature. This variant is reported in 0.0062% of alleles in individuals of African descent in gnomAD. At this time, the clinical significance of this variant is uncertain due to the absence of conclusive functional and genetic evidence.

NM_001385001.1(MCTP2):c.1843G>A (p.Ala615Thr)

Gene: MCTP2 (multiple C2 and transmembrane domain containing 2; plus strand). Cytogenetic location: 15q26.2.
Variant type: single nucleotide variant.
Coding change: c.1843G>A on transcript NM_001385001.1 (MANE Select); coding-DNA position 1843, G replaced by A.
Protein change: p.Ala615Thr; replaces alanine 615 with threonine.
Molecular consequence: missense variant. On other transcripts: non-coding transcript variant (7).
Genome position (GRCh38, 1-based): chr15:94,399,015, G>A. VCF-style: chr15-94399015-G-A. GRCh37 (hg19) VCF-style: chr15-94942244-G-A.
Other names: c.1843G>A, p.Ala615Thr (NM_001159643.2, NM_001385002.1, NM_001385003.1 and 5 more transcripts); c.607G>A, p.Ala203Thr (NM_001159644.2); c.1561G>A, p.Ala521Thr (NM_001385007.1); c.1345G>A, p.Ala449Thr (NM_001385009.1, NM_001385010.1); c.1525G>A, p.Ala509Thr (NM_001385011.1); short protein forms A203T, A449T, A509T, A521T, A615T.
Identifiers: ClinVar variation 2632579 (VCV002632579.2), dbSNP rs143183400, ClinGen allele CA7750138.